The following is an entry in ClinVar:

NM_000141.5(FGFR2):c.108A>G (p.Glu36=)

Gene: FGFR2 (fibroblast growth factor receptor 2; minus strand). Cytogenetic location: 10q26.13.
Variant type: single nucleotide variant.
Coding change: c.108A>G on transcript NM_000141.5 (MANE Select); coding-DNA position 108, A replaced by G.
Protein change: p.Glu36=; no amino-acid change (glutamic acid 36 retained).
Molecular consequence: synonymous variant. On other transcripts: non-coding transcript variant (1).
Genome position (GRCh38, 1-based): chr10:121,593,710, T>C on the plus strand (A>G on the coding strand, the complement: FGFR2 is on the minus strand). VCF-style: chr10-121593710-T-C. GRCh37 (hg19) VCF-style: chr10-123353224-T-C.
Other names: c.108A>G, p.Glu36= (NM_001144913.1, NM_001144914.1, NM_001144915.2 and 7 more transcripts).
Identifiers: ClinVar variation 3011366 (VCV003011366.3), dbSNP rs770654393, ClinGen allele CA5721236.

ClinVar aggregate classification (germline): Uncertain significance (1 of 4 stars; one submission).

Conditions:
FGFR2-related craniosynostosis. Identifiers: MedGen CN231480.

Allele frequency attached by ClinVar (database versions not stated): gnomAD 0.00001; gnomAD exomes 0.00001; TOPMed 0.00002; ExAC 0.00004.
gnomAD v4.1: 9 of 1,613,592 alleles (0.00056%); highest among the groups gnomAD compares: Admixed American, 0.015%; no homozygotes.

Submission:

Labcorp Genetics (formerly Invitae), Labcorp
Classification: Uncertain significance for FGFR2-related craniosynostosis. Last evaluated: 2024-03-11. Review status: criteria provided, single submitter. Criteria: Invitae Variant Classification Sherloc (09022015). Collection method: clinical testing. Allele origin: germline.
Comment: This sequence change affects codon 36 of the FGFR2 mRNA. It is a 'silent' change, meaning that it does not change the encoded amino acid sequence of the FGFR2 protein. It affects a nucleotide within the consensus splice site. This variant is present in population databases (rs770654393, gnomAD 0.02%). This variant has not been reported in the literature in individuals affected with FGFR2-related conditions. Algorithms developed to predict the effect of sequence changes on RNA splicing suggest that this variant is not likely to affect RNA splicing. In summary, the available evidence is currently insufficient to determine the role of this variant in disease. Therefore, it has been classified as a Variant of Uncertain Significance.